The following is an entry in ClinVar:

NM_001069.3(TUBB2A):c.282G>C (p.Gln94His)

Gene: TUBB2A (tubulin beta 2A class IIa; minus strand). Cytogenetic location: 6p25.2.
Variant type: single nucleotide variant.
Coding change: c.282G>C on transcript NM_001069.3 (MANE Select); coding-DNA position 282, G replaced by C.
Protein change: p.Gln94His; replaces glutamine 94 with histidine.
Molecular consequence: missense variant.
Genome position (GRCh38, 1-based): chr6:3,154,919, C>G on the plus strand (G>C on the coding strand, the complement: TUBB2A is on the minus strand). VCF-style: chr6-3154919-C-G. GRCh37 (hg19) VCF-style: chr6-3155153-C-G.
Other names: c.27G>C, p.Gln9His (NM_001310315.2); short protein forms Q9H, Q94H.
Identifiers: ClinVar variation 2808271 (VCV002808271.3), dbSNP rs2533525599, ClinGen allele CA362593098.
Genomic context (GRCh38, chr6:3,154,919, plus strand): 5'-GTCGACCAGCTCGGCTCCCTCTGTGTAGTGGCCCTTGGCCCAGTTATTCCCGGCTCCACT[C>G]TGGCCTGCCAGAGGGAAAGTGAACATTAGACACTAAAACATAAGGAATTTCAAAATCTGT-3'
Protein context (NP_001060.1, residues 84-104): IFRPDNFVFG[Gln94His]SGAGNNWAKG

ClinVar aggregate classification (germline): Uncertain significance (1 of 4 stars; one submission).

Submission:

Labcorp Genetics (formerly Invitae), Labcorp
Classification: Uncertain significance. Last evaluated: 2022-11-07. Review status: criteria provided, single submitter. Criteria: Invitae Variant Classification Sherloc (09022015). Collection method: clinical testing. Allele origin: germline.
Comment: This variant is not present in population databases (gnomAD no frequency). This variant has not been reported in the literature in individuals affected with TUBB2A-related conditions. Advanced modeling of protein sequence and biophysical properties (such as structural, functional, and spatial information, amino acid conservation, physicochemical variation, residue mobility, and thermodynamic stability) performed at Invitae indicates that this missense variant is not expected to disrupt TUBB2A protein function. Algorithms developed to predict the effect of sequence changes on RNA splicing suggest that this variant may disrupt the consensus splice site. In summary, the available evidence is currently insufficient to determine the role of this variant in disease. Therefore, it has been classified as a Variant of Uncertain Significance. This sequence change replaces glutamine, which is neutral and polar, with histidine, which is basic and polar, at codon 94 of the TUBB2A protein (p.Gln94His).